The following is an entry in ClinVar:

NM_002863.5(PYGL):c.179_197del (p.Val60fs)

Gene: PYGL (glycogen phosphorylase L; minus strand). Cytogenetic location: 14q22.1.
Variant type: Deletion.
Coding change: c.179_197del on transcript NM_002863.5 (MANE Select); coding-DNA positions 179 to 197, 19 bases deleted (TGCGCGACCACCTGGTGGG).
Protein change: p.Val60fs; shifts the reading frame from valine 60.
Molecular consequence: frameshift variant.
Genome position (GRCh38, 1-based): chr14:50,944,207-50,944,225, CCCACCAGGTGGTCGCGCA deleted on the plus strand (TGCGCGACCACCTGGTGGG on the coding strand, the reverse complement: PYGL is on the minus strand); deleting any 19 consecutive bases within chr14:50,944,207-50,944,227 gives the same sequence; the c. name uses the placement nearest the transcript's 3' end. VCF-style (leftmost placement, unchanged base first): chr14-50944206-CCCCACCAGGTGGTCGCGCA-C. GRCh37 (hg19) VCF-style: chr14-51410924-CCCCACCAGGTGGTCGCGCA-C.
Other names: c.179_197del, p.Val60fs (NM_001163940.2); short protein forms V60fs.
Identifiers: ClinVar variation 2075738 (VCV002075738.4), dbSNP rs1469198620, ClinGen allele CA614275204.
Genomic context (GRCh38, chr14:50,944,206, plus strand): 5'-CCCGCCCCCGGTTACCTTGGGGCACTTGTCGTAGTAGTGCTGCTGCGTGCGGATCCAGCG[CCCCACCAGGTGGTCGCGCA>C]CCGTGTGCGCCAGCGCGAAGTAGTAGTCGCGGGTGGTGGCCACGTTGCGGTCCTTGACCA-3'

ClinVar aggregate classification (germline): Pathogenic (1 of 4 stars; one submission).

Conditions:
Glycogen storage disease, type VI (GSD6). Also called: Glycogen storage disease type 6; Hepatic glycogen phosphorylase deficiency; Glycogen storage disease type 6, due to phosphorylation; GSD VI; HERS DISEASE; PHOSPHORYLASE DEFICIENCY GLYCOGEN-STORAGE DISEASE OF LIVER. Identifiers: Orphanet 369, MedGen C0017925, MONDO:0009294, OMIM 232700.

Submission:

Labcorp Genetics (formerly Invitae), Labcorp
Classification: Pathogenic for Glycogen storage disease, type VI. Last evaluated: 2022-10-05. Review status: criteria provided, single submitter. Criteria: Invitae Variant Classification Sherloc (09022015). Collection method: clinical testing. Allele origin: germline.
Comment: This sequence change creates a premature translational stop signal (p.Val60Glyfs*35) in the PYGL gene. It is expected to result in an absent or disrupted protein product. Loss-of-function variants in PYGL are known to be pathogenic (PMID: 9536091, 21646031). The frequency data for this variant in the population databases is considered unreliable, as metrics indicate poor data quality at this position in the gnomAD database. This variant has not been reported in the literature in individuals affected with PYGL-related conditions. For these reasons, this variant has been classified as Pathogenic.

Literature cited by the submitters: PubMed 9536091; PubMed 21646031.